The following is an entry in ClinVar:

NM_006206.6(PDGFRA):c.1688A>G (p.Glu563Gly)

Gene: PDGFRA (platelet derived growth factor receptor alpha; plus strand). Cytogenetic location: 4q12.
Variant type: single nucleotide variant.
Coding change: c.1688A>G on transcript NM_006206.6 (MANE Select); coding-DNA position 1688, A replaced by G.
Protein change: p.Glu563Gly; replaces glutamic acid 563 with glycine.
Molecular consequence: missense variant.
Genome position (GRCh38, 1-based): chr4:54,274,875, A>G. VCF-style: chr4-54274875-A-G. GRCh37 (hg19) VCF-style: chr4-55141042-A-G.
Other names: c.1688A>G, p.Glu563Gly (NM_001347827.2, NM_001347829.2); c.1763A>G, p.Glu588Gly (NM_001347828.2); c.1727A>G, p.Glu576Gly (NM_001347830.2); short protein forms E588G, E576G, E563G.
Identifiers: ClinVar variation 3930194 (VCV003930194.1).

ClinVar aggregate classification (germline): Uncertain significance (1 of 4 stars; one submission).

Conditions:
Hereditary cancer-predisposing syndrome. Also called: Tumor predisposition; Hereditary neoplastic syndrome; Hereditary Cancer Syndrome; Neoplastic Syndromes, Hereditary. Identifiers: Orphanet 140162, MedGen C0027672, MeSH D009386, MONDO:0015356.

Submission:

Ambry Genetics
Classification: Uncertain significance for Hereditary cancer-predisposing syndrome. Last evaluated: 2025-03-28. Review status: criteria provided, single submitter. Criteria: Ambry Variant Classification Scheme 2023. Collection method: clinical testing. Allele origin: germline.
Comment: The p.E563G variant (also known as c.1688A>G), located in coding exon 11 of the PDGFRA gene, results from an A to G substitution at nucleotide position 1688. The glutamic acid at codon 563 is replaced by glycine, an amino acid with similar properties. This amino acid position is conserved. In addition, this alteration is predicted to be deleterious by in silico analysis. Based on the available evidence, the clinical significance of this variant remains unclear.